The following is an entry in ClinVar:

ClinVar aggregate classification (germline): Pathogenic/Likely pathogenic. Review status: criteria provided, multiple submitters, no conflicts (2 of 4 stars). 3 submissions from 3 submitters: Pathogenic (1); Likely pathogenic (2). Last evaluated 2024-10-31.

Conditions:
GLB1-related disorder. Also called: GLB1-related disorders. Identifiers: MedGen CN377807.
Mucopolysaccharidosis, MPS-IV-B (MPS4B). Also called: Mucopolysaccharidosis type IV B; Mucopolysaccharidosis Type IVB; Mucopolysaccharidosis type 4B; Mucopolysaccharidosis type IVB (Morquio); MPS IVB; MORQUIO SYNDROME B. Identifiers: Orphanet 309310, Orphanet 582, MedGen C0086652, MONDO:0009660, OMIM 253010.
GM1 gangliosidosis. Identifiers: Orphanet 354, MedGen C0085131, MONDO:0018149.
GM1 gangliosidosis type 2. Also called: GANGLIOSIDOSIS, GENERALIZED GM1, JUVENILE TYPE; GANGLIOSIDOSIS, GENERALIZED GM1, TYPE II; Gangliosidosis, Generalized GM1, Type 2; Juvenile GM>1< gangliosidosis; GM1-GANGLIOSIDOSIS, TYPE II. Identifiers: Orphanet 354, Orphanet 79256, MedGen C0268272, MONDO:0009261, OMIM 230600.

Submissions (3):

Greenwood Genetic Center Diagnostic Laboratories, Greenwood Genetic Center
Classification: Likely pathogenic for GLB1-related disorder. Last evaluated: 2024-10-31. Review status: criteria provided, single submitter. Criteria: ACMG Guidelines, 2015. Collection method: clinical testing. Allele origin: germline. Affected: yes.
Comment: PVS2, PM2

Labcorp Genetics (formerly Invitae), Labcorp
Classification: Pathogenic for Mucopolysaccharidosis, MPS-IV-B; GM1 gangliosidosis. Last evaluated: 2023-02-26. Review status: criteria provided, single submitter. Criteria: Invitae Variant Classification Sherloc (09022015). Collection method: clinical testing. Allele origin: germline.
Comment: This variant disrupts a region of the GLB1 protein in which other variant(s) (p.Val677Gly) have been observed in individuals with GLB1-related conditions (Invitae). This suggests that this is a clinically significant region of the protein, and that variants that disrupt it are likely to be disease-causing. For these reasons, this variant has been classified as Pathogenic. This sequence change results in a frameshift in the GLB1 gene (p.Asn669Lysfs*53). While this is not anticipated to result in nonsense mediated decay, it is expected to disrupt the last 9 amino acid(s) of the GLB1 protein and extend the protein by 43 additional amino acid residues. This variant is present in population databases (rs759633494, gnomAD no frequency). This frameshift has been observed in individual(s) with GM1-gangliosidosis (PMID: 30703229, 31367523, 32005694). In at least one individual the data is consistent with being in trans (on the opposite chromosome) from a pathogenic variant. ClinVar contains an entry for this variant (Variation ID: 1067823).

Juno Genomics, Hangzhou Juno Genomics, Inc
Classification: Likely pathogenic for GM1 gangliosidosis type 2. Review status: criteria provided, single submitter. Criteria: ACMG Guidelines, 2015. Collection method: clinical testing. Allele origin: germline. Affected: yes.
Comment: Null variant in a gene where loss of function (LOF) is a known mechanism of disease.;Absent from controls (or at extremely low frequency if recessive) in Genome Aggregation Database, Exome Sequencing Project, 1000 Genomes Project, or Exome Aggregation Consortium.;For recessive disorders, detected in trans with a pathogenic variant.;Patient's phenotype or family history is highly specific for a disease with a single genetic etiology.

Literature cited by the submitters: PubMed 30703229 (cited by Labcorp Genetics (formerly Invitae), Labcorp); PubMed 31367523 (cited by Labcorp Genetics (formerly Invitae), Labcorp); PubMed 32005694 (cited by Labcorp Genetics (formerly Invitae), Labcorp).

NM_000404.4(GLB1):c.2006dup (p.Asn669fs)

Gene: GLB1 (galactosidase beta 1; minus strand). Cytogenetic location: 3p22.3.
Variant type: Duplication.
Coding change: c.2006dup on transcript NM_000404.4 (MANE Select); coding-DNA position 2006, one base duplicated (A; older notation c.2006dupA).
Protein change: p.Asn669fs; shifts the reading frame from asparagine 669.
Molecular consequence: frameshift variant.
Genome position (GRCh38, 1-based): chr3:32,997,073, T duplicated on the plus strand (A on the coding strand, the reverse complement: GLB1 is on the minus strand); the first of 7 consecutive T bases (chr3:32,997,073-32,997,079); duplicating any one gives the same sequence. VCF-style (leftmost placement, unchanged base first): chr3-32997072-G-GT. GRCh37 (hg19) VCF-style: chr3-33038564-G-GT.
Other names: c.1916dup, p.Asn639fs (NM_001079811.3); c.1613dup, p.Asn538fs (NM_001135602.3); c.2150dup, p.Asn717fs (NM_001317040.2); short protein forms N538fs, N639fs, N669fs, N717fs.
Identifiers: ClinVar variation 1067823 (VCV001067823.8), dbSNP rs759633494, ClinGen allele CA2299256.